The following is an entry in ClinVar:

ClinVar aggregate classification (germline): Uncertain significance. Review status: criteria provided, multiple submitters, no conflicts (2 of 4 stars). 2 submissions from 2 submitters: Uncertain significance (2). Last evaluated 2025-04-08.

Conditions:
Inborn genetic diseases. Identifiers: MedGen C0950123, MeSH D030342.
Stickler syndrome. Identifiers: Orphanet 828, MedGen C0265253, MONDO:0019354.

Submissions (2):

Ambry Genetics
Classification: Uncertain significance for Inborn genetic diseases. Last evaluated: 2025-04-08. Review status: criteria provided, single submitter. Criteria: Ambry Variant Classification Scheme 2023. Collection method: clinical testing. Allele origin: germline.

Cambridge Genomics Laboratory, East Genomic Laboratory Hub, NHS Genomic Medicine Service
Classification: Uncertain significance for Stickler syndrome. Last evaluated: 2024-06-10. Review status: criteria provided, single submitter. Criteria: ACGS Best Practice Guidelines for Variant Classification in Rare Disease 2020. Collection method: clinical testing. Allele origin: germline. Affected: yes.
Comment: PM2,PP2,BP4

NM_001844.5(COL2A1):c.2395G>A (p.Ala799Thr)

Gene: COL2A1 (collagen type II alpha 1 chain; minus strand). Cytogenetic location: 12q13.11.
Variant type: single nucleotide variant.
Coding change: c.2395G>A on transcript NM_001844.5 (MANE Select); coding-DNA position 2395, G replaced by A.
Protein change: p.Ala799Thr; replaces alanine 799 with threonine.
Molecular consequence: missense variant.
Genome position (GRCh38, 1-based): chr12:47,981,790, C>T on the plus strand (G>A on the coding strand, the complement: COL2A1 is on the minus strand). VCF-style: chr12-47981790-C-T. GRCh37 (hg19) VCF-style: chr12-48375573-C-T.
Other names: c.2188G>A, p.Ala730Thr (NM_033150.3); short protein forms A730T, A799T.
Identifiers: ClinVar variation 4005333 (VCV004005333.2).
Genomic context (GRCh38, chr12:47,981,790, plus strand): 5'-TGTGACAGGGAGGCAAGGTGTGGAGAGGAAAGGAGCCGGGACTCACCTTCTCGCCATTAG[C>T]ACCAGCTGGGCCAGGGGGGCCAATGGGACCTGTCAGGCCCTGCGGGGAGAGCAGGTAGAG-3'
Protein context (NP_001835.3, residues 789-809): GPIGPPGPAG[Ala799Thr]NGEKGEVGPP